The following is an entry in ClinVar:

ClinVar aggregate classification (germline): Uncertain significance (1 of 4 stars; one submission).

Conditions:
Coronary heart disease, susceptibility to, 5. Identifiers: MedGen C1837173, MONDO:0012147, OMIM 608901.

Allele frequency attached by ClinVar (database versions not stated): 1000 Genomes Project 0.00040; 1000 Genomes Project 30x 0.00062; ESP Exome Variant Server 0.00146; TOPMed 0.00151; gnomAD 0.00203 and 0.00213; ExAC 0.00218; gnomAD exomes 0.00230 and 0.00286.
gnomAD v4.1: 4,435 of 1,614,100 alleles (0.27%); highest among the groups gnomAD compares: Non-Finnish European, 0.32%; 8 homozygotes.

Submission:

Institute of Human Genetics, University of Leipzig Medical Center
Classification: Uncertain significance for Coronary heart disease, susceptibility to, 5. Last evaluated: 2019-01-01. Review status: criteria provided, single submitter. Criteria: ACMG Guidelines, 2015. Collection method: clinical testing. Allele origin: unknown. Affected: yes.
Comment: This variant was identified as compound heterozygous.

NM_001388419.1(KALRN):c.2177C>T (p.Ser726Leu)

Gene: KALRN (kalirin RhoGEF kinase; plus strand). Cytogenetic location: 3q21.2.
Variant type: single nucleotide variant.
Coding change: c.2177C>T on transcript NM_001388419.1 (MANE Select); coding-DNA position 2177, C replaced by T.
Protein change: p.Ser726Leu; replaces serine 726 with leucine.
Molecular consequence: missense variant. On other transcripts: non-coding transcript variant (2).
Genome position (GRCh38, 1-based): chr3:124,398,702, C>T. VCF-style: chr3-124398702-C-T. GRCh37 (hg19) VCF-style: chr3-124117549-C-T.
Other names: c.2171C>T, p.Ser724Leu (NM_001024660.5, NM_001322988.2, NM_001322989.2 and 2 more transcripts); c.2132C>T, p.Ser711Leu (NM_001322990.2, NM_001322991.2); c.248C>T, p.Ser83Leu (NM_001388412.1, NM_001388413.1, NM_001388414.1); c.209C>T, p.Ser70Leu (NM_001388415.1, NM_001388416.1); c.2177C>T, p.Ser726Leu (NM_001388417.1, NM_001388418.1); short protein forms S711L, S724L, S70L, S726L, S83L.
Identifiers: ClinVar variation 983063 (VCV000983063.1), dbSNP rs145790621, ClinGen allele CA2579399.